The following is an entry in ClinVar:

ClinVar aggregate classification (germline): Uncertain significance (1 of 4 stars; one submission).

Conditions:
Autosomal recessive limb-girdle muscular dystrophy type 2E (LGMDR4). Also called: MUSCULAR DYSTROPHY, LIMB-GIRDLE, AUTOSOMAL RECESSIVE 4. Identifiers: Orphanet 119, MedGen C1858593, MONDO:0011423, OMIM 604286. Disease mechanism: Affects gamma-sarcoglycan and also disrupts the integrity of the entire sarcoglycan complex..

Allele frequency attached by ClinVar (database versions not stated): gnomAD exomes below 0.00001.
gnomAD v4.1: 1 of 1,613,590 alleles (0.000062%); highest among the groups gnomAD compares: South Asian, 0.0011%; no homozygotes.

Submission:

Labcorp Genetics (formerly Invitae), Labcorp
Classification: Uncertain significance for Autosomal recessive limb-girdle muscular dystrophy type 2E. Last evaluated: 2018-09-13. Review status: criteria provided, single submitter. Criteria: Invitae Variant Classification Sherloc (09022015). Collection method: clinical testing. Allele origin: germline.
Comment: In summary, this variant is a novel missense change with uncertain impact on protein function. Therefore, it has been classified as a Variant of Uncertain Significance. Algorithms developed to predict the effect of missense changes on protein structure and function (SIFT, PolyPhen-2, Align-GVGD) all suggest that this variant is likely to be disruptive, but these predictions have not been confirmed by published functional studies. This variant is not present in population databases (ExAC no frequency) and has not been reported in the literature in individuals with a SGCB-related disease. This sequence change replaces glycine with aspartic acid at codon 236 of the SGCB protein (p.Gly236Asp). The glycine residue is highly conserved and there is a moderate physicochemical difference between glycine and aspartic acid.

NM_000232.5(SGCB):c.707G>A (p.Gly236Asp)

Gene: SGCB (sarcoglycan beta; minus strand). Cytogenetic location: 4q12.
Variant type: single nucleotide variant.
Coding change: c.707G>A on transcript NM_000232.5 (MANE Select); coding-DNA position 707, G replaced by A.
Protein change: p.Gly236Asp; replaces glycine 236 with aspartic acid.
Molecular consequence: missense variant.
Genome position (GRCh38, 1-based): chr4:52,028,014, C>T on the plus strand (G>A on the coding strand, the complement: SGCB is on the minus strand). VCF-style: chr4-52028014-C-T. GRCh37 (hg19) VCF-style: chr4-52894180-C-T.
Other names: short protein forms G236D.
Identifiers: ClinVar variation 466605 (VCV000466605.12), dbSNP rs1553940073, ClinGen allele CA356875836.